The following is an entry in ClinVar:

ClinVar aggregate classification (germline): Uncertain significance (1 of 4 stars; one submission).

Conditions:
Familial adenomatous polyposis 1 (FAP1). Also called: FAMILIAL ADENOMATOUS POLYPOSIS 1, ATTENUATED; POLYPOSIS, ADENOMATOUS INTESTINAL. Identifiers: MedGen C2713442, MONDO:0021056, OMIM 175100. Disease mechanism: loss of function.

Allele frequency attached by ClinVar (database versions not stated): gnomAD exomes 0.00001 and below 0.00001; TOPMed 0.00001; gnomAD 0.00001.
gnomAD v4.1: 2 of 1,370,564 alleles (0.00015%); highest among the groups gnomAD compares: Admixed American, 0.0022%; no homozygotes.

Submission:

Labcorp Genetics (formerly Invitae), Labcorp
Classification: Uncertain significance for Familial adenomatous polyposis 1. Last evaluated: 2024-05-22. Review status: criteria provided, single submitter. Criteria: Invitae Variant Classification Sherloc (09022015). Collection method: clinical testing. Allele origin: germline.
Comment: This variant occurs in a non-coding region of the APC gene. It does not change the encoded amino acid sequence of the APC protein. This variant is present in population databases (no rsID available, gnomAD 0.004%). This variant has not been reported in the literature in individuals affected with APC-related conditions. Experimental studies and prediction algorithms are not available or were not evaluated, and the functional significance of this variant is currently unknown. In summary, the available evidence is currently insufficient to determine the role of this variant in disease. Therefore, it has been classified as a Variant of Uncertain Significance.

NM_001127511.3(APC):c.41C>T (p.Pro14Leu)

Gene: APC (APC regulator of Wnt signaling pathway; plus strand). Cytogenetic location: 5q22.2.
Variant type: single nucleotide variant.
Coding change: c.41C>T on transcript NM_001127511.3; coding-DNA position 41, C replaced by T.
Protein change: p.Pro14Leu; replaces proline 14 with leucine.
Molecular consequence: missense variant. On other transcripts: 5 prime UTR variant (8), non-coding transcript variant (1), intron variant (5).
Genome position (GRCh38, 1-based): chr5:112,707,758, C>T. VCF-style: chr5-112707758-C-T. GRCh37 (hg19) VCF-style: chr5-112043455-C-T.
Other names: c.-143C>T (NM_001354895.2, NM_001407447.1, NM_001407452.1 and 3 more transcripts); c.41C>T, p.Pro14Leu (NM_001354897.2, NM_001354902.2, NM_001407446.1); c.-1178C>T (NM_001407470.1, NM_001407472.1); c.-19+109C>T (NM_001407448.1, NM_001407450.1, NM_001407457.1 and 1 more transcripts); c.-43+109C>T (NM_001407453.1); short protein forms P14L.
Identifiers: ClinVar variation 1057153 (VCV001057153.9), dbSNP rs1257059865, ClinGen allele CA360611732.
Genomic context (GRCh38, chr5:112,707,758, plus strand): 5'-CTCGGGCCTCGGCGCCCCCTATGTACGCCTCCCTGGGCTCGGGTCCGGTCGCCCCTTTGC[C>T]CGCTTCTGTACCACCCTCAGTTCTCGGGTCCTGGAGCACCGGCGGCAGCAGGAGCTGCGT-3'